The following is an entry in ClinVar:

ClinVar aggregate classification (germline): Likely benign. Review status: criteria provided, multiple submitters, no conflicts (2 of 4 stars). 4 submissions from 4 submitters: Likely benign (3). 1 of the submissions does not count toward it. Last evaluated 2023-01-01.

Conditions:
TNS1-related disorder. Also called: TNS1-related condition.

Allele frequency attached by ClinVar (database versions not stated): 1000 Genomes Project 30x 0.00156; 1000 Genomes Project 0.00160; gnomAD exomes 0.00248 and 0.00476; ExAC 0.00256; TOPMed 0.00259; gnomAD 0.00261 and 0.00271; ESP Exome Variant Server 0.00284.
gnomAD v4.1: 6,613 of 1,473,108 alleles (0.45%); highest among the groups gnomAD compares: Non-Finnish European, 0.56%; 18 homozygotes.

Submissions (4):

CeGaT Center for Human Genetics Tuebingen
Classification: Likely benign. Last evaluated: 2023-01-01. Review status: criteria provided, single submitter. Criteria: CeGaT Center For Human Genetics Tuebingen Variant Classification Criteria Version 2. Collection method: clinical testing. Allele origin: germline. Affected: yes. Observed: 2 variant alleles.
Comment: TNS1: BS2

Labcorp Genetics (formerly Invitae), Labcorp
Classification: Likely benign. Last evaluated: 2018-02-05. Review status: criteria provided, single submitter. Criteria: Invitae Variant Classification Sherloc (09022015). Collection method: clinical testing. Allele origin: germline.

Breakthrough Genomics
Classification: Likely benign. Review status: criteria provided, single submitter. Criteria: ACMG Guidelines, 2015. Collection method: not provided. Allele origin: germline. Inheritance: Unknown mechanism. Affected: yes.

PreventionGenetics, part of Exact Sciences
Classification: Likely benign for TNS1-related condition. Last evaluated: 2022-02-07. Review status: no assertion criteria provided. Collection method: clinical testing. Allele origin: germline. Not counted in ClinVar's aggregate classification.
Comment: This variant is classified as likely benign based on ACMG/AMP sequence variant interpretation guidelines (Richards et al. 2015 PMID: 25741868, with internal and published modifications).

NM_001387777.1(TNS1):c.2980G>A (p.Glu994Lys)

Gene: TNS1 (tensin 1; minus strand). Cytogenetic location: 2q35.
Variant type: single nucleotide variant.
Coding change: c.2980G>A on transcript NM_001387777.1 (MANE Select); coding-DNA position 2980, G replaced by A.
Protein change: p.Glu994Lys; replaces glutamic acid 994 with lysine.
Molecular consequence: missense variant.
Genome position (GRCh38, 1-based): chr2:217,847,537, C>T on the plus strand (G>A on the coding strand, the complement: TNS1 is on the minus strand). VCF-style: chr2-217847537-C-T. GRCh37 (hg19) VCF-style: chr2-218712260-C-T.
Other names: c.2605G>A, p.Glu869Lys (NM_001308022.2, NM_001308023.2, NM_022648.7); short protein forms E869K, E994K.
Identifiers: ClinVar variation 771846 (VCV000771846.29), dbSNP rs146606722, ClinGen allele CA2100109.
Genomic context (GRCh38, chr2:217,847,537, plus strand): 5'-GGGTAGAAGGAGTCAGGACTGAATACCTCTTACCTGCTACCCTGTGGGCCACCAGCCCTT[C>T]TAAATTCAATGGCTCCTCCTCTGGAGTCCGGGAGGGGTCTGAAGTCGCTTCCTTTGGTGA-3'
Protein context (NP_001374706.1, residues 984-1004): RTPEEEPLNL[Glu994Lys]GLVAHRVAGV